The following is an entry in ClinVar:

NM_017849.4(TMEM127):c.24dup (p.Leu9fs)

Genes: TMEM127 (transmembrane protein 127; minus strand), LOC129934333 (ATAC-STARR-seq lymphoblastoid silent region 11759; plus strand). Cytogenetic location: 2q11.2.
Variant type: Duplication.
Coding change: c.24dup on transcript NM_017849.4 (MANE Select); coding-DNA position 24, one base duplicated (G; older notation c.24dupG).
Protein change: p.Leu9fs; shifts the reading frame from leucine 9.
Molecular consequence: frameshift variant. On other transcripts: intron variant (1).
Genome position (GRCh38, 1-based): chr2:96,265,358, C duplicated on the plus strand (G on the coding strand, the reverse complement: TMEM127 is on the minus strand); the first of 3 consecutive C bases (chr2:96,265,358-96,265,360); duplicating any one gives the same sequence. VCF-style (leftmost placement, unchanged base first): chr2-96265357-G-GC. GRCh37 (hg19) VCF-style: chr2-96931095-G-GC.
Other names: c.24dupG (NM_017849.3); c.24dup, p.Leu9fs (NM_001193304.3); c.-9+511dup (NM_001407283.1); short protein forms L9fs.
Identifiers: ClinVar variation 5030936 (VCV005030936.1).

ClinVar aggregate classification (germline): Pathogenic (1 of 4 stars; one submission).

Conditions:
Hereditary cancer-predisposing syndrome. Also called: Neoplastic Syndromes, Hereditary; Tumor predisposition; Hereditary neoplastic syndrome; Hereditary Cancer Syndrome. Identifiers: Orphanet 140162, MedGen C0027672, MeSH D009386, MONDO:0015356.

Submission:

Ambry Genetics
Classification: Pathogenic for Hereditary cancer-predisposing syndrome. Last evaluated: 2026-08-04. Review status: criteria provided, single submitter. Criteria: Ambry Variant Classification Scheme 2023. Collection method: clinical testing. Allele origin: germline.
Comment: The c.24dupG pathogenic mutation, located in coding exon 1 of the TMEM127 gene, results from a duplication of G at nucleotide position 24, causing a translational frameshift with a predicted alternate stop codon (p.L9Afs*22). This alteration is expected to result in loss of function by premature protein truncation or nonsense-mediated mRNA decay. As such, this alteration is interpreted as a disease-causing mutation.